The following is an entry in ClinVar:

NM_000059.4(BRCA2):c.3452_3455del (p.Ile1151fs)

Gene: BRCA2 (BRCA2 DNA repair associated; plus strand). Cytogenetic location: 13q13.1.
Variant type: Deletion.
Coding change: c.3452_3455del on transcript NM_000059.4 (MANE Select); coding-DNA positions 3452 to 3455, 4 bases deleted (TCTT; older notation c.3452_3455delTCTT).
Protein change: p.Ile1151fs; shifts the reading frame from isoleucine 1151.
Molecular consequence: frameshift variant.
Genome position (GRCh38, 1-based): chr13:32,337,807-32,337,810, TCTT deleted. VCF-style (leftmost placement, unchanged base first): chr13-32337806-ATCTT-A. GRCh37 (hg19) VCF-style: chr13-32911943-ATCTT-A.
Other names: c.3452_3455delTCTT (NM_000059.3); short protein forms I1151fs.
Identifiers: ClinVar variation 491243 (VCV000491243.4), dbSNP rs1555283249, ClinGen allele CA658683864.

ClinVar aggregate classification (germline): Pathogenic (1 of 4 stars; one submission).

Conditions:
Hereditary cancer-predisposing syndrome. Also called: Hereditary neoplastic syndrome; Tumor predisposition; Hereditary Cancer Syndrome; Neoplastic Syndromes, Hereditary. Identifiers: Orphanet 140162, MedGen C0027672, MeSH D009386, MONDO:0015356.

Submission:

Color Diagnostics, LLC DBA Color Health
Classification: Pathogenic for Hereditary cancer-predisposing syndrome. Last evaluated: 2020-05-13. Review status: criteria provided, single submitter. Criteria: ACMG Guidelines, 2015. Collection method: clinical testing. Allele origin: germline.
Comment: This variant deletes 4 nucleotides in exon 11 of the BRCA2 gene, creating a frameshift and premature translation stop signal. This variant is expected to result in an absent or non-functional protein product. To our knowledge, this variant has not been reported in individuals affected with hereditary cancer in the literature. This variant has not been identified in the general population by the Genome Aggregation Database (gnomAD). Loss of BRCA2 function is a known mechanism of disease. Based on the available evidence, this variant is classified as Pathogenic.